The following is an entry in ClinVar:

NM_020207.7(ERCC6L2):c.2058A>T (p.Lys686Asn)

Gene: ERCC6L2 (ERCC excision repair 6 like 2; plus strand). Cytogenetic location: 9q22.32.
Variant type: single nucleotide variant.
Coding change: c.2058A>T on transcript NM_020207.7 (MANE Select); coding-DNA position 2058, A replaced by T.
Protein change: p.Lys686Asn; replaces lysine 686 with asparagine.
Molecular consequence: missense variant. On other transcripts: non-coding transcript variant (1).
Genome position (GRCh38, 1-based): chr9:95,966,672, A>T. VCF-style: chr9-95966672-A-T. GRCh37 (hg19) VCF-style: chr9-98728954-A-T.
Other names: c.2058A>T, p.Lys686Asn (NM_001010895.4, NM_001375291.1, NM_001375292.1 and 2 more transcripts); short protein forms K686N.
Identifiers: ClinVar variation 4870598 (VCV004870598.1).

ClinVar aggregate classification (germline): Uncertain significance (1 of 4 stars; one submission).

Conditions:
Inborn genetic diseases. Identifiers: MedGen C0950123, MeSH D030342.

Submission:

Ambry Genetics
Classification: Uncertain significance for Inborn genetic diseases. Last evaluated: 2026-04-28. Review status: criteria provided, single submitter. Criteria: Ambry Variant Classification Scheme 2023. Collection method: clinical testing. Allele origin: germline.
Comment: The p.K686N variant (also known as c.2058A>T), located in coding exon 14 of the ERCC6L2 gene, results from an A to T substitution at nucleotide position 2058. The lysine at codon 686 is replaced by asparagine, an amino acid with similar properties. This amino acid position is conserved. In addition, this alteration is predicted to be tolerated by in silico analysis. Based on the available evidence, the clinical significance of this variant remains unclear.